The following is an entry in ClinVar:

NM_004370.6(COL12A1):c.2480C>T (p.Thr827Met)

Gene: COL12A1 (collagen type XII alpha 1 chain; minus strand). Cytogenetic location: 6q13.
Variant type: single nucleotide variant.
Coding change: c.2480C>T on transcript NM_004370.6 (MANE Select); coding-DNA position 2480, C replaced by T.
Protein change: p.Thr827Met; replaces threonine 827 with methionine.
Molecular consequence: missense variant. On other transcripts: intron variant (1).
Genome position (GRCh38, 1-based): chr6:75,175,268, G>A on the plus strand (C>T on the coding strand, the complement: COL12A1 is on the minus strand). VCF-style: chr6-75175268-G-A. GRCh37 (hg19) VCF-style: chr6-75884984-G-A.
Other names: c.74-22786C>T (NM_080645.3); short protein forms T827M.
Identifiers: ClinVar variation 542513 (VCV000542513.13), dbSNP rs149832668, ClinGen allele CA3893960.
Genomic context (GRCh38, chr6:75,175,268, plus strand): 5'-GTGACGAGATACTGTTTCACTTTTCCTGGTGCCCCACTCCAAGATAATTTCATAGTAGAC[G>A]TCGTAGGGTCAGAAACTCTTAAGTCTCTTGGATTCCCTCTAACTTCATTAAAAAATGACA-3'
Protein context (NP_004361.3, residues 817-837): PRDLRVSDPT[Thr827Met]STMKLSWSGA

ClinVar aggregate classification (germline): Likely benign. Review status: criteria provided, multiple submitters, no conflicts (2 of 4 stars). 2 submissions from 2 submitters: Likely benign (2). Last evaluated 2025-12-22.

Conditions:
Ullrich congenital muscular dystrophy 2 (UCMD2). Identifiers: Orphanet 75840, MedGen C4225314, MONDO:0014654, OMIM 616470.
Bethlem myopathy 2 (BTHLM2). Identifiers: Orphanet 536516, Orphanet 610, MedGen C4225313, MONDO:0034022, OMIM 616471.

Allele frequency attached by ClinVar (database versions not stated): gnomAD 0.00019 and 0.00006; TOPMed 0.00005; ExAC 0.00024; 1000 Genomes Project 30x 0.00094; gnomAD exomes 0.00020; 1000 Genomes Project 0.00120.
gnomAD v4.1: 608 of 1,614,084 alleles (0.038%); highest among the groups gnomAD compares: East Asian, 1.3%; 7 homozygotes.

Submissions (2):

Women's Health and Genetics/Laboratory Corporation of America, LabCorp
Classification: Likely benign. Last evaluated: 2025-12-22. Review status: criteria provided, single submitter. Criteria: LabCorp Variant Classification Summary - May 2015. Collection method: clinical testing. Allele origin: germline.
Comment: Variant summary: COL12A1 c.2480C>T (p.Thr827Met) results in a non-conservative amino acid change in the encoded protein sequence. Algorithms developed to predict the effect of missense changes on protein structure and function are either unavailable or do not agree on the potential impact of this missense change. The variant allele was found at a frequency of 0.00038 in 1614084 control chromosomes, predominantly at a frequency of 0.013 within the East Asian subpopulation in the gnomAD v4 database, including 7 homozygotes. The observed variant frequency within East Asian control individuals in the gnomAD database exceeds the estimated maximal expected allele frequency for disease-causing variants in COL12A1. To our knowledge, no occurrence of c.2480C>T in individuals affected with COL12A1-related conditions and no experimental evidence demonstrating its impact on protein function have been reported. ClinVar contains an entry for this variant (Variation ID: 542513). Based on the evidence outlined above, the variant was classified as likely benign.

Labcorp Genetics (formerly Invitae), Labcorp
Classification: Likely benign for Bethlem myopathy 2; Ullrich congenital muscular dystrophy 2. Last evaluated: 2025-09-28. Review status: criteria provided, single submitter. Criteria: Invitae Variant Classification Sherloc (09022015). Collection method: clinical testing. Allele origin: germline.